The following is an entry in ClinVar:

NM_001385.3(DPYS):c.52G>A (p.Asp18Asn)

Gene: DPYS (dihydropyrimidinase; minus strand). Cytogenetic location: 8q22.3.
Variant type: single nucleotide variant.
Coding change: c.52G>A on transcript NM_001385.3 (MANE Select); coding-DNA position 52, G replaced by A.
Protein change: p.Asp18Asn; replaces aspartic acid 18 with asparagine.
Molecular consequence: missense variant.
Genome position (GRCh38, 1-based): chr8:104,466,869, C>T on the plus strand (G>A on the coding strand, the complement: DPYS is on the minus strand). VCF-style: chr8-104466869-C-T. GRCh37 (hg19) VCF-style: chr8-105479097-C-T.
Other names: short protein forms D18N.
Identifiers: ClinVar variation 2982637 (VCV002982637.3), dbSNP rs1217474045, ClinGen allele CA371939462.
Genomic context (GRCh38, chr8:104,466,869, plus strand): 5'-CGTGCCCGAGTGCCCGCACCACGCCGTCCTCCACCAGCACGTCGGCCACCTCCGAGAAGT[C>T]ATCGTTGACCACGCGACCCCCGCGGATCAGGAGCCGCGAGGGCGCCGCCATAGCGAGGGG-3'
Protein context (NP_001376.1, residues 8-28): LIRGGRVVND[Asp18Asn]FSEVADVLVE

ClinVar aggregate classification (germline): Uncertain significance (1 of 4 stars; one submission).

gnomAD v4.1: 7 of 1,521,260 alleles (0.00046%); highest among the groups gnomAD compares: African/African-American, 0.0042%; no homozygotes.

Submission:

Labcorp Genetics (formerly Invitae), Labcorp
Classification: Uncertain significance. Last evaluated: 2024-10-17. Review status: criteria provided, single submitter. Criteria: Invitae Variant Classification Sherloc (09022015). Collection method: clinical testing. Allele origin: germline.
Comment: This sequence change replaces aspartic acid, which is acidic and polar, with asparagine, which is neutral and polar, at codon 18 of the DPYS protein (p.Asp18Asn). This variant is not present in population databases (gnomAD no frequency). This variant has not been reported in the literature in individuals affected with DPYS-related conditions. Invitae Evidence Modeling of protein sequence and biophysical properties (such as structural, functional, and spatial information, amino acid conservation, physicochemical variation, residue mobility, and thermodynamic stability) indicates that this missense variant is not expected to disrupt DPYS protein function with a negative predictive value of 80%. In summary, the available evidence is currently insufficient to determine the role of this variant in disease. Therefore, it has been classified as a Variant of Uncertain Significance.